The following is an entry in ClinVar:

ClinVar aggregate classification (germline): Likely benign (1 of 4 stars; one submission).

Submission:

CeGaT Center for Human Genetics Tuebingen
Classification: Likely benign. Last evaluated: 2022-05-01. Review status: criteria provided, single submitter. Criteria: CeGaT Center For Human Genetics Tuebingen Variant Classification Criteria Version 2. Collection method: clinical testing. Allele origin: germline. Affected: yes. Observed: 1 variant allele.
Comment: CDK11A: BP4, BP7

NM_024011.4(CDK11A):c.588G>C (p.Ala196=)

Gene: CDK11A (cyclin dependent kinase 11A; minus strand). Cytogenetic location: 1p36.33.
Variant type: single nucleotide variant.
Coding change: c.588G>C on transcript NM_024011.4 (MANE Select); coding-DNA position 588, G replaced by C.
Protein change: p.Ala196=; no amino-acid change (alanine 196 retained).
Molecular consequence: synonymous variant. On other transcripts: non-coding transcript variant (2).
Genome position (GRCh38, 1-based): chr1:1,712,301, C>G on the plus strand (G>C on the coding strand, the complement: CDK11A is on the minus strand). VCF-style: chr1-1712301-C-G. GRCh37 (hg19) VCF-style: chr1-1643740-C-G.
Other names: c.558G>C, p.Ala186= (NM_001313896.2, NM_033529.4); c.585G>C, p.Ala195= (NM_001313982.2).
Identifiers: ClinVar variation 2638058 (VCV002638058.24), dbSNP rs55699379, ClinGen allele CA415404404.